The following is an entry in ClinVar:

NM_000053.4(ATP7B):c.4318C>T (p.Arg1440Trp)

Gene: ATP7B (ATPase copper transporting beta; minus strand). Cytogenetic location: 13q14.3.
Variant type: single nucleotide variant.
Coding change: c.4318C>T on transcript NM_000053.4 (MANE Select); coding-DNA position 4318, C replaced by T.
Protein change: p.Arg1440Trp; replaces arginine 1440 with tryptophan.
Molecular consequence: missense variant.
Genome position (GRCh38, 1-based): chr13:51,934,836, G>A on the plus strand (C>T on the coding strand, the complement: ATP7B is on the minus strand). VCF-style: chr13-51934836-G-A. GRCh37 (hg19) VCF-style: chr13-52508972-G-A.
Other names: c.3697C>T, p.Arg1233Trp (NM_001005918.3); c.3985C>T, p.Arg1329Trp (NM_001243182.2); c.4084C>T, p.Arg1362Trp (NM_001330578.2); c.4066C>T, p.Arg1356Trp (NM_001330579.2); short protein forms R1356W, R1362W, R1233W, R1329W, R1440W.
Identifiers: ClinVar variation 657988 (VCV000657988.16), dbSNP rs543334965, ClinGen allele CA6988425.

ClinVar aggregate classification (germline): Uncertain significance. Review status: criteria provided, multiple submitters, no conflicts (2 of 4 stars). 6 submissions from 6 submitters: Uncertain significance (5). 1 of the submissions does not count toward it. Last evaluated 2024-04-16.

Conditions:
Inborn genetic diseases. Identifiers: MedGen C0950123, MeSH D030342.
Wilson disease (WND). Also called: Wilson's disease. Identifiers: Orphanet 905, MedGen C0019202, MONDO:0010200, OMIM 277900. Disease mechanism: loss of function.

Allele frequency attached by ClinVar (database versions not stated): gnomAD exomes 0.00002; ExAC 0.00003; TOPMed 0.00003; gnomAD 0.00005 and 0.00006; 1000 Genomes Project 30x 0.00031; 1000 Genomes Project 0.00040.
gnomAD v4.1: 34 of 1,614,206 alleles (0.0021%); highest among the groups gnomAD compares: South Asian, 0.011%; 1 homozygote.

Submissions (6):

All of Us Research Program, National Institutes of Health
Classification: Uncertain significance for Wilson disease. Last evaluated: 2024-04-16. Review status: criteria provided, single submitter. Criteria: ACMG Guidelines, 2015. Collection method: clinical testing. Allele origin: germline. Inheritance: Autosomal recessive inheritance. Observed: 5 variant alleles, 5 heterozygotes.
Comment: This missense variant replaces arginine with tryptophan at codon 1440 of the ATP7B protein. Computational prediction suggests that this variant may not impact protein structure and function (internally defined REVEL score threshold <= 0.5, PMID: 27666373). To our knowledge, functional studies have not been reported for this variant. This variant has not been reported in individuals affected with Wilson disease in the literature. This variant has been identified in 6/280958 chromosomes in the general population by the Genome Aggregation Database (gnomAD). The available evidence is insufficient to determine the role of this variant in disease conclusively. Therefore, this variant is classified as a Variant of Uncertain Significance.

This study involves interpretation of variants in research participants for the purpose of population health screening. Participant phenotype was not available at the time of variant classification. Additional details can be found in publication PMID: 35346344, PMCID: PMC8962531

Color Diagnostics, LLC DBA Color Health
Classification: Uncertain significance for Wilson disease. Last evaluated: 2024-03-06. Review status: criteria provided, single submitter. Criteria: ACMG Guidelines, 2015. Collection method: clinical testing. Allele origin: germline.
Comment: This missense variant replaces arginine with tryptophan at codon 1440 of the ATP7B protein. Computational prediction suggests that this variant may not impact protein structure and function. To our knowledge, functional studies have not been reported for this variant. This variant has not been reported in individuals affected with Wilson disease in the literature. This variant has been identified in 6/280958 chromosomes in the general population by the Genome Aggregation Database (gnomAD). The available evidence is insufficient to determine the role of this variant in disease conclusively. Therefore, this variant is classified as a Variant of Uncertain Significance.

Blueprint Genetics
Classification: Uncertain significance. Last evaluated: 2024-02-26. Review status: criteria provided, single submitter. Criteria: ACMG Guidelines, 2015. Collection method: clinical testing. Allele origin: germline.

Ambry Genetics
Classification: Uncertain significance for Inborn genetic diseases. Last evaluated: 2021-09-09. Review status: criteria provided, single submitter. Criteria: Ambry Variant Classification Scheme 2023. Collection method: clinical testing. Allele origin: germline.
Comment: The p.R1440W variant (also known as c.4318C>T), located in coding exon 21 of the ATP7B gene, results from a C to T substitution at nucleotide position 4318. The arginine at codon 1440 is replaced by tryptophan, an amino acid with dissimilar properties. This amino acid position is conserved. In addition, the in silico prediction for this alteration is inconclusive. Since supporting evidence is limited at this time, the clinical significance of this alteration remains unclear.

Labcorp Genetics (formerly Invitae), Labcorp
Classification: Uncertain significance for Wilson disease. Last evaluated: 2021-08-24. Review status: criteria provided, single submitter. Criteria: Invitae Variant Classification Sherloc (09022015). Collection method: clinical testing. Allele origin: germline.
Comment: This sequence change replaces arginine with tryptophan at codon 1440 of the ATP7B protein (p.Arg1440Trp). The arginine residue is moderately conserved and there is a moderate physicochemical difference between arginine and tryptophan. This variant is present in population databases (rs543334965, ExAC 0.02%). This variant has not been reported in the literature in individuals affected with ATP7B-related conditions. Algorithms developed to predict the effect of missense changes on protein structure and function are either unavailable or do not agree on the potential impact of this missense change (SIFT: "Deleterious"; PolyPhen-2: "Probably Damaging"; Align-GVGD: "Class C0"). In summary, the available evidence is currently insufficient to determine the role of this variant in disease. Therefore, it has been classified as a Variant of Uncertain Significance.

Natera, Inc.
Classification: Uncertain significance for Wilson disease. Last evaluated: 2020-08-17. Review status: no assertion criteria provided. Collection method: clinical testing. Allele origin: germline. Not counted in ClinVar's aggregate classification.